The following is an entry in ClinVar:

ClinVar aggregate classification (germline): Uncertain significance (1 of 4 stars; one submission).

Allele frequency attached by ClinVar (database versions not stated): gnomAD exomes below 0.00001 and 0.00001; ExAC 0.00001.

Submission:

GeneDx
Classification: Uncertain significance. Last evaluated: 2020-07-02. Review status: criteria provided, single submitter. Criteria: GeneDx Variant Classification Process June 2021. Collection method: clinical testing. Allele origin: germline. Affected: yes.
Comment: In silico analysis supports that this missense variant has a deleterious effect on protein structure/function; Has not been previously published as pathogenic or benign to our knowledge

NM_031157.4(HNRNPA1):c.970A>C (p.Asn324His)

Gene: HNRNPA1 (heterogeneous nuclear ribonucleoprotein A1; plus strand). Cytogenetic location: 12q13.13.
Variant type: single nucleotide variant.
Coding change: c.970A>C on transcript NM_031157.4 (MANE Select); coding-DNA position 970, A replaced by C.
Protein change: p.Asn324His; replaces asparagine 324 with histidine.
Molecular consequence: missense variant. On other transcripts: non-coding transcript variant (1).
Genome position (GRCh38, 1-based): chr12:54,283,874, A>C. VCF-style: chr12-54283874-A-C. GRCh37 (hg19) VCF-style: chr12-54677658-A-C.
Other names: c.814A>C, p.Asn272His (NM_002136.4); short protein forms N272H, N324H.
Identifiers: ClinVar variation 1320479 (VCV001320479.2), dbSNP rs758853776, ClinGen allele CA6606398.